The following is an entry in ClinVar:

NC_000015.10:g.84817070_84817083del

Gene: ALPK3 (alpha kinase 3; plus strand). Cytogenetic location: 15q25.3.
Variant type: Deletion.
Genome position: GRCh38 VCF-style: chr15-84817061-GCCGGGAGCCGGGTC-G. GRCh37 (hg19) VCF-style: chr15-85360292-GCCGGGAGCCGGGTC-G.
Identifiers: ClinVar variation 4712816 (VCV004712816.1).

ClinVar aggregate classification (germline): Uncertain significance (1 of 4 stars; one submission).

Submission:

Labcorp Genetics (formerly Invitae), Labcorp
Classification: Uncertain significance. Last evaluated: 2025-02-11. Review status: criteria provided, single submitter. Criteria: Invitae Variant Classification Sherloc (09022015). Collection method: clinical testing. Allele origin: germline.
Comment: This sequence change creates a premature translational stop signal (p.Pro75Leufs*9) in the ALPK3 gene. It is unclear whether it will result in an absent or disrupted protein product because an in-frame methionine located at codon 203 has the potential to rescue this truncating variant. This variant is not present in population databases (gnomAD no frequency). This variant has not been reported in the literature in individuals affected with ALPK3-related conditions. In summary, the available evidence is currently insufficient to determine the role of this variant in disease. Therefore, it has been classified as a Variant of Uncertain Significance.